The following is an entry in ClinVar:

NM_000501.4(ELN):c.1274G>T (p.Gly425Val)

Gene: ELN (elastin; plus strand). Cytogenetic location: 7q11.23.
Variant type: single nucleotide variant.
Coding change: c.1274G>T on transcript NM_000501.4 (MANE Select); coding-DNA position 1274, G replaced by T.
Protein change: p.Gly425Val; replaces glycine 425 with valine.
Molecular consequence: missense variant. On other transcripts: intron variant (2).
Genome position (GRCh38, 1-based): chr7:74,056,394, G>T. VCF-style: chr7-74056394-G-T. GRCh37 (hg19) VCF-style: chr7-73470724-G-T.
Other names: c.1244G>T, p.Gly415Val (NM_001081752.3, NM_001278917.2); c.1289G>T, p.Gly430Val (NM_001081753.3, NM_001081754.3); c.1274G>T, p.Gly425Val (NM_001081755.3, NM_001278912.2, NM_001278915.2 and 1 more transcripts); c.1259G>T, p.Gly420Val (NM_001278914.2); c.1232G>T, p.Gly411Val (NM_001278916.2); c.1129+37G>T (NM_001278913.2); c.1105+37G>T (NM_001278918.2); short protein forms G430V, G411V, G415V, G420V, G425V.
Identifiers: ClinVar variation 3667109 (VCV003667109.2).

ClinVar aggregate classification (germline): Uncertain significance (1 of 4 stars; one submission).

Conditions:
Supravalvar aortic stenosis (SVAS). Also called: Supravalvar aortic stenosis, Eisenberg type. Identifiers: Orphanet 3193, MedGen C0003499, MONDO:0008504, OMIM 185500, HP:0004381.

Submission:

Labcorp Genetics (formerly Invitae), Labcorp
Classification: Uncertain significance for Supravalvar aortic stenosis. Last evaluated: 2024-11-10. Review status: criteria provided, single submitter. Criteria: Invitae Variant Classification Sherloc (09022015). Collection method: clinical testing. Allele origin: germline.
Comment: This sequence change replaces glycine, which is neutral and non-polar, with valine, which is neutral and non-polar, at codon 425 of the ELN protein (p.Gly425Val). This variant is not present in population databases (gnomAD no frequency). This variant has not been reported in the literature in individuals affected with ELN-related conditions. Experimental studies and prediction algorithms are not available or were not evaluated, and the functional significance of this variant is currently unknown. In summary, the available evidence is currently insufficient to determine the role of this variant in disease. Therefore, it has been classified as a Variant of Uncertain Significance.